The following is an entry in ClinVar:

ClinVar aggregate classification (germline): Pathogenic (1 of 4 stars; one submission).

Submission:

Labcorp Genetics (formerly Invitae), Labcorp
Classification: Pathogenic. Last evaluated: 2024-10-16. Review status: criteria provided, single submitter. Criteria: Invitae Variant Classification Sherloc (09022015). Collection method: clinical testing. Allele origin: germline.
Comment: This sequence change creates a premature translational stop signal (p.Ile609Leufs*3) in the MBTPS1 gene. It is expected to result in an absent or disrupted protein product. Loss-of-function variants in MBTPS1 are known to be pathogenic (PMID: 30046013). This variant is not present in population databases (gnomAD no frequency). This variant has not been reported in the literature in individuals affected with MBTPS1-related conditions. For these reasons, this variant has been classified as Pathogenic.

Literature cited by the submitters: PubMed 30046013.

NM_003791.4(MBTPS1):c.1824del (p.Ile609fs)

Gene: MBTPS1 (membrane bound transcription factor peptidase, site 1; minus strand). Cytogenetic location: 16q23.3.
Variant type: Deletion.
Coding change: c.1824del on transcript NM_003791.4 (MANE Select); coding-DNA position 1824, one base deleted (C; older notation c.1824delC).
Protein change: p.Ile609fs; shifts the reading frame from isoleucine 609.
Molecular consequence: frameshift variant.
Genome position (GRCh38, 1-based): chr16:84,069,997, G deleted on the plus strand (C on the coding strand, the reverse complement: MBTPS1 is on the minus strand); the first of 4 consecutive G bases (chr16:84,069,997-84,070,000); deleting any one gives the same sequence. VCF-style (leftmost placement, unchanged base first): chr16-84069996-TG-T. GRCh37 (hg19) VCF-style: chr16-84103601-TG-T.
Other names: short protein forms I609fs.
Identifiers: ClinVar variation 3672072 (VCV003672072.2).